The following is an entry in ClinVar:

NM_001849.4(COL6A2):c.1821_1822del (p.Cys607_Glu608delinsTer)

Gene: COL6A2 (collagen type VI alpha 2 chain; plus strand). Cytogenetic location: 21q22.3.
Variant type: Microsatellite.
Coding change: c.1821_1822del on transcript NM_001849.4 (MANE Select); coding-DNA positions 1821 to 1822, 2 bases deleted (TG; older notation c.1821_1822delTG).
Protein change: p.Cys607_Glu608delinsTer.
Molecular consequence: nonsense.
Genome position (GRCh38, 1-based): chr21:46,125,469-46,125,470, TG deleted; deleting any 2 consecutive bases within chr21:46,125,467-46,125,470 gives the same sequence; the c. name uses the placement nearest the transcript's 3' end. VCF-style (leftmost placement, unchanged base first): chr21-46125466-CTG-C. GRCh37 (hg19) VCF-style: chr21-47545380-CTG-C.
Other names: c.1821_1822del, p.Cys607_Glu608delinsTer (NM_058174.3, NM_058175.3).
Identifiers: ClinVar variation 3367036 (VCV003367036.2).

ClinVar aggregate classification (germline): Pathogenic/Likely pathogenic. Review status: criteria provided, multiple submitters, no conflicts (2 of 4 stars). 2 submissions from 2 submitters: Pathogenic (1); Likely pathogenic (1). Last evaluated 2025-10-21.

Conditions:
Bethlem myopathy 1A. Also called: MYOPATHY, BENIGN CONGENITAL, WITH CONTRACTURES; Bethlem Muscular Dystrophy; Bethlem myopathy 1. Identifiers: Orphanet 610, MedGen CN029274, MONDO:0024530, OMIM 158810.
Ullrich congenital muscular dystrophy 1A. Also called: Intermediate COL6-RD; Ullrich congenital muscular dystrophy 1. Identifiers: Orphanet 75840, MedGen C0410179, MONDO:0009681, OMIM 254090.

Submissions (2):

Labcorp Genetics (formerly Invitae), Labcorp
Classification: Pathogenic for Bethlem myopathy 1A. Last evaluated: 2025-10-21. Review status: criteria provided, single submitter. Criteria: Invitae Variant Classification Sherloc (09022015). Collection method: clinical testing. Allele origin: germline.
Comment: This sequence change creates a premature translational stop signal (p.Cys607*) in the COL6A2 gene. It is expected to result in an absent or disrupted protein product. Loss-of-function variants in COL6A2 are known to be pathogenic (PMID: 19884007, 20976770). This variant is present in population databases (rs761642362, gnomAD 0.006%). This variant has not been reported in the literature in individuals affected with COL6A2-related conditions. For these reasons, this variant has been classified as Pathogenic.

Neuberg Centre For Genomic Medicine, NCGM
Classification: Likely pathogenic for Ullrich congenital muscular dystrophy 1A. Last evaluated: 2023-05-20. Review status: criteria provided, single submitter. Criteria: ACMG Guidelines, 2015. Collection method: clinical testing. Allele origin: germline. Inheritance: Autosomal recessive inheritance. Affected: yes.
Comment: The frameshift c.1821_1822del (p.Cys607Ter) variant in the COL6A2 gene has not been reported previously as a pathogenic variant nor as a benign variant, to our knowledge. This variant is reported with the allele frequency (0.0007%) in the gnomAD Exomes. This variant is predicted to cause loss of normal protein function through protein truncation. Loss of function variants have been previously reported to be disease causing. For these reasons, this variant has been classified as Likely Pathogenic.

Literature cited by the submitters: PubMed 19884007 (cited by Labcorp Genetics (formerly Invitae), Labcorp); PubMed 20976770 (cited by Labcorp Genetics (formerly Invitae), Labcorp).